The following is an entry in ClinVar:

NM_003743.5(NCOA1):c.4078G>T (p.Ala1360Ser)

Gene: NCOA1 (nuclear receptor coactivator 1; plus strand). Cytogenetic location: 2p23.3.
Variant type: single nucleotide variant.
Coding change: c.4078G>T on transcript NM_003743.5 (MANE Select); coding-DNA position 4078, G replaced by T.
Protein change: p.Ala1360Ser; replaces alanine 1360 with serine.
Molecular consequence: missense variant.
Genome position (GRCh38, 1-based): chr2:24,762,699, G>T. VCF-style: chr2-24762699-G-T. GRCh37 (hg19) VCF-style: chr2-24985568-G-T.
Other names: c.4078G>T, p.Ala1360Ser (NM_001362950.1, NM_001362952.1, NM_001362954.1 and 3 more transcripts); short protein forms A1360S.
Identifiers: ClinVar variation 2488678 (VCV002488678.3), dbSNP rs760996585, ClinGen allele CA346057175.

ClinVar aggregate classification (germline): Uncertain significance. Review status: criteria provided, single submitter (1 of 4 stars). 2 submissions from 2 submitters: Uncertain significance (1). 1 of the submissions does not count toward it. Last evaluated 2023-02-23.

Conditions:
NCOA1-related disorder. Also called: NCOA1-related condition.

gnomAD v4.1: 13 of 1,613,456 alleles (0.00081%); highest among the groups gnomAD compares: Non-Finnish European, 0.0011%; no homozygotes.

Submissions (2):

Ambry Genetics
Classification: Uncertain significance. Last evaluated: 2023-02-23. Review status: criteria provided, single submitter. Criteria: Ambry Variant Classification Scheme 2023. Collection method: clinical testing. Allele origin: germline.

PreventionGenetics, part of Exact Sciences
Classification: Uncertain significance for NCOA1-related condition. Last evaluated: 2024-05-06. Review status: no assertion criteria provided. Collection method: clinical testing. Allele origin: germline. Not counted in ClinVar's aggregate classification.
Comment: The NCOA1 c.4078G>T variant is predicted to result in the amino acid substitution p.Ala1360Ser. To our knowledge, this variant has not been reported in the literature. This variant is reported in 0.0015% of alleles in individuals of European (Non-Finnish) descent in gnomAD. At this time, the clinical significance of this variant is uncertain due to the absence of conclusive functional and genetic evidence.